The following is an entry in ClinVar:

NM_001368894.2(PAX6):c.-129+1G>C

Gene: PAX6 (paired box 6; minus strand). Cytogenetic location: 11p13.
Variant type: single nucleotide variant.
Coding change: c.-129+1G>C on transcript NM_001368894.2 (MANE Select); the canonical splice donor site of the intron after 129 bases upstream of the start codon, G replaced by C.
Molecular consequence: splice donor variant.
Genome position (GRCh38, 1-based): chr11:31,810,827, C>G on the plus strand (G>C on the coding strand, the complement: PAX6 is on the minus strand). VCF-style: chr11-31810827-C-G. GRCh37 (hg19) VCF-style: chr11-31832375-C-G.
Other names: c.-129+1G>C (NM_001127612.3, NM_001368921.2, NM_001368923.2 and 26 more transcripts); c.-29+1G>C (NM_001368910.2); c.-268+1G>C (NM_001368909.2); c.13+1G>C (NM_001368911.2); c.-406+1G>C (NM_001368904.2); c.-910+1G>C (NM_001368905.2).
Identifiers: ClinVar variation 1314910 (VCV001314910.4), dbSNP rs1565277245, ClinGen allele CA2573053490.

ClinVar aggregate classification (germline): Uncertain significance (1 of 4 stars; one submission).

Submission:

GeneDx
Classification: Uncertain significance. Last evaluated: 2023-06-22. Review status: criteria provided, single submitter. Criteria: GeneDx Variant Classification Process June 2021. Collection method: clinical testing. Allele origin: germline. Affected: yes.
Comment: In silico analysis supports a deleterious effect on splicing; No data available from control populations to assess the frequency of this variant; Has not been previously published as pathogenic or benign to our knowledge